The following is an entry in ClinVar:

NM_001130987.2(DYSF):c.1820G>A (p.Arg607Lys)

Gene: DYSF (dysferlin; plus strand). Cytogenetic location: 2p13.2.
Variant type: single nucleotide variant.
Coding change: c.1820G>A on transcript NM_001130987.2 (MANE Select); coding-DNA position 1820, G replaced by A.
Protein change: p.Arg607Lys; replaces arginine 607 with lysine.
Molecular consequence: missense variant.
Genome position (GRCh38, 1-based): chr2:71,553,024, G>A. VCF-style: chr2-71553024-G-A. GRCh37 (hg19) VCF-style: chr2-71780154-G-A.
Other names: c.1820G>A, p.Arg607Lys (NM_001130985.2); c.1727G>A, p.Arg576Lys (NM_001130986.2, NM_001130984.2); c.1766G>A, p.Arg589Lys (NM_003494.4, NM_001130978.2); c.1769G>A, p.Arg590Lys (NM_001130455.2, NM_001130983.2); c.1724G>A, p.Arg575Lys (NM_001130976.2, NM_001130977.2); c.1859G>A, p.Arg620Lys (NM_001130979.2); c.1817G>A, p.Arg606Lys (NM_001130980.2, NM_001130981.2); c.1862G>A, p.Arg621Lys (NM_001130982.2); and 1 more; short protein forms R589K, R590K, R575K, R576K, R606K, R621K, R607K, R620K.
Identifiers: ClinVar variation 1438674 (VCV001438674.4), dbSNP rs776487688, ClinGen allele CA1705965.

ClinVar aggregate classification (germline): Uncertain significance. Review status: criteria provided, multiple submitters, no conflicts (2 of 4 stars). 2 submissions from 2 submitters: Uncertain significance (2). Last evaluated 2025-10-02.

Conditions:
Inborn genetic diseases. Identifiers: MedGen C0950123, MeSH D030342.
Neuromuscular disease caused by qualitative or quantitative defects of dysferlin. Also called: Qualitative or quantitative defects of dysferlin; Dysferlinopathy. Identifiers: Orphanet 207073, MedGen C2931687, MONDO:0016145.

Allele frequency attached by ClinVar (database versions not stated): gnomAD exomes below 0.00001 and 0.00001; ExAC 0.00001; TOPMed 0.00001.
gnomAD v4.1: 5 of 1,614,142 alleles (0.00031%); highest among the groups gnomAD compares: Admixed American, 0.005%; no homozygotes.

Submissions (2):

Ambry Genetics
Classification: Uncertain significance for Inborn genetic diseases. Last evaluated: 2025-10-02. Review status: criteria provided, single submitter. Criteria: Ambry Variant Classification Scheme 2023. Collection method: clinical testing. Allele origin: germline.

Labcorp Genetics (formerly Invitae), Labcorp
Classification: Uncertain significance for Neuromuscular disease caused by qualitative or quantitative defects of dysferlin. Last evaluated: 2021-11-01. Review status: criteria provided, single submitter. Criteria: Invitae Variant Classification Sherloc (09022015). Collection method: clinical testing. Allele origin: germline.
Comment: This sequence change replaces arginine, which is basic and polar, with lysine, which is basic and polar, at codon 589 of the DYSF protein (p.Arg589Lys). This variant is present in population databases (rs776487688, gnomAD 0.009%). This variant has not been reported in the literature in individuals affected with DYSF-related conditions. Advanced modeling of protein sequence and biophysical properties (such as structural, functional, and spatial information, amino acid conservation, physicochemical variation, residue mobility, and thermodynamic stability) performed at Invitae indicates that this missense variant is not expected to disrupt DYSF protein function. In summary, the available evidence is currently insufficient to determine the role of this variant in disease. Therefore, it has been classified as a Variant of Uncertain Significance.